The following is an entry in ClinVar:

NM_004385.5(VCAN):c.5089_5091del (p.Ser1697del)

Genes: VCAN (versican; plus strand), VCAN-AS1 (VCAN antisense RNA 1; minus strand). Cytogenetic location: 5q14.3.
Variant type: Deletion.
Coding change: c.5089_5091del on transcript NM_004385.5 (MANE Select); coding-DNA positions 5089 to 5091, 3 bases deleted (TCT; older notation c.5089_5091delTCT).
Protein change: p.Ser1697del; deletes serine 1697.
Molecular consequence: intron variant (on NM_001164098.2).
Genome position (GRCh38, 1-based): chr5:83,538,092-83,538,094, TCT deleted; deleting any 3 consecutive bases within chr5:83,538,090-83,538,094 gives the same sequence; the c. name uses the placement nearest the transcript's 3' end. VCF-style (leftmost placement, unchanged base first): chr5-83538089-CCTT-C. GRCh37 (hg19) VCF-style: chr5-82833908-CCTT-C.
Other names: c.4004-7445_4004-7443del (NM_001164098.2); c.1043-7445_1043-7443del (NM_001126336.3); c.2128_2130del, p.Ser710del (NM_001164097.2); short protein forms S710del, S1697del.
Identifiers: ClinVar variation 4779090 (VCV004779090.1).

ClinVar aggregate classification (germline): Uncertain significance (1 of 4 stars; one submission).

Submission:

Labcorp Genetics (formerly Invitae), Labcorp
Classification: Uncertain significance. Last evaluated: 2025-10-27. Review status: criteria provided, single submitter. Criteria: Invitae Variant Classification Sherloc (09022015). Collection method: clinical testing. Allele origin: germline.
Comment: This variant, c.5089_5091del, results in the deletion of 1 amino acid(s) of the VCAN protein (p.Ser1697del), but otherwise preserves the integrity of the reading frame. This variant is not present in population databases (gnomAD no frequency). This variant has not been reported in the literature in individuals affected with VCAN-related conditions. Experimental studies and prediction algorithms are not available or were not evaluated, and the functional significance of this variant is currently unknown. In summary, the available evidence is currently insufficient to determine the role of this variant in disease. Therefore, it has been classified as a Variant of Uncertain Significance.